The following is an entry in ClinVar:

NM_001271.4(CHD2):c.608A>T (p.Lys203Ile)

Gene: CHD2 (chromodomain helicase DNA binding protein 2; plus strand). Cytogenetic location: 15q26.1.
Variant type: single nucleotide variant.
Coding change: c.608A>T on transcript NM_001271.4 (MANE Select); coding-DNA position 608, A replaced by T.
Protein change: p.Lys203Ile; replaces lysine 203 with isoleucine.
Molecular consequence: missense variant.
Genome position (GRCh38, 1-based): chr15:92,939,634, A>T. VCF-style: chr15-92939634-A-T. GRCh37 (hg19) VCF-style: chr15-93482864-A-T.
Other names: c.608A>T, p.Lys203Ile (NM_001042572.3); c.608A>T (NM_001271.3); short protein forms K203I.
Identifiers: ClinVar variation 2135519 (VCV002135519.4), dbSNP rs117844037, ClinGen allele CA393900088.

ClinVar aggregate classification (germline): Uncertain significance. Review status: criteria provided, multiple submitters, no conflicts (2 of 4 stars). 2 submissions from 2 submitters: Uncertain significance (2). Last evaluated 2024-08-14.

Conditions:
Developmental and epileptic encephalopathy 94 (DEE94). Also called: CHD2-Related Neurodevelopmental Disorders; Epileptic encephalopathy, childhood-onset. Identifiers: Orphanet 1942, Orphanet 2382, MedGen C3809278, MONDO:0014150, OMIM 615369.

gnomAD v4.1: 1 of 1,614,182 alleles (0.000062%); no homozygotes.

Submissions (2):

GeneDx
Classification: Uncertain significance. Last evaluated: 2024-08-14. Review status: criteria provided, single submitter. Criteria: GeneDx Variant Classification Process June 2021. Collection method: clinical testing. Allele origin: germline. Affected: yes.
Comment: Not observed at significant frequency in large population cohorts (gnomAD); In silico analysis supports that this missense variant has a deleterious effect on protein structure/function; Has not been previously published as pathogenic or benign to our knowledge

Labcorp Genetics (formerly Invitae), Labcorp
Classification: Uncertain significance for Developmental and epileptic encephalopathy 94. Last evaluated: 2024-03-02. Review status: criteria provided, single submitter. Criteria: Invitae Variant Classification Sherloc (09022015). Collection method: clinical testing. Allele origin: germline.
Comment: This sequence change replaces lysine, which is basic and polar, with isoleucine, which is neutral and non-polar, at codon 203 of the CHD2 protein (p.Lys203Ile). This variant is not present in population databases (gnomAD no frequency). This variant has not been reported in the literature in individuals affected with CHD2-related conditions. ClinVar contains an entry for this variant (Variation ID: 2135519). Advanced modeling of protein sequence and biophysical properties (such as structural, functional, and spatial information, amino acid conservation, physicochemical variation, residue mobility, and thermodynamic stability) performed at Invitae indicates that this missense variant is not expected to disrupt CHD2 protein function with a negative predictive value of 95%. In summary, the available evidence is currently insufficient to determine the role of this variant in disease. Therefore, it has been classified as a Variant of Uncertain Significance.